The following is an entry in ClinVar:

NM_013336.4(SEC61A1):c.1167+1G>A

Genes: RUVBL1 (RuvB like AAA ATPase 1; minus strand), SEC61A1 (SEC61 translocon subunit alpha 1; plus strand). Cytogenetic location: 3q21.3.
Variant type: single nucleotide variant.
Coding change: c.1167+1G>A on transcript NM_013336.4 (MANE Select); the canonical splice donor site of the intron after coding-DNA position 1167, G replaced by A.
Molecular consequence: splice donor variant. On other transcripts: intron variant (1).
Genome position (GRCh38, 1-based): chr3:128,067,613, G>A. VCF-style: chr3-128067613-G-A. GRCh37 (hg19) VCF-style: chr3-127786456-G-A.
Other names: c.1185+1G>A (NM_001400328.1); c.1008+1G>A (NM_001400329.1); c.940-2393C>T (NM_001319086.1).
Identifiers: ClinVar variation 1441299 (VCV001441299.9), dbSNP rs2107651838, ClinGen allele CA354400954.

ClinVar aggregate classification (germline): Uncertain significance (1 of 4 stars; one submission).

Submission:

Labcorp Genetics (formerly Invitae), Labcorp
Classification: Uncertain significance. Last evaluated: 2022-07-19. Review status: criteria provided, single submitter. Criteria: Invitae Variant Classification Sherloc (09022015). Collection method: clinical testing. Allele origin: germline.
Comment: In summary, the available evidence is currently insufficient to determine the role of this variant in disease. Therefore, it has been classified as a Variant of Uncertain Significance. Algorithms developed to predict the effect of sequence changes on RNA splicing suggest that this variant may disrupt the consensus splice site. ClinVar contains an entry for this variant (Variation ID: 1441299). This variant has not been reported in the literature in individuals affected with SEC61A1-related conditions. This variant is not present in population databases (gnomAD no frequency). This sequence change affects a donor splice site in intron 10 of the SEC61A1 gene. It is expected to disrupt RNA splicing. Variants that disrupt the donor or acceptor splice site typically lead to a loss of protein function (PMID: 16199547), however the current clinical and genetic evidence is not sufficient to establish whether loss-of-function variants in SEC61A1 cause disease.

Literature cited by the submitters: PubMed 16199547.